The following is an entry in ClinVar:

ClinVar aggregate classification (germline): Uncertain significance (1 of 4 stars; one submission).

Conditions:
Inborn genetic diseases. Identifiers: MedGen C0950123, MeSH D030342.

Submission:

Ambry Genetics
Classification: Uncertain significance for Inborn genetic diseases. Last evaluated: 2021-10-22. Review status: criteria provided, single submitter. Criteria: Ambry Variant Classification Scheme 2023. Collection method: clinical testing. Allele origin: germline.
Comment: The p.S203N variant (also known as c.608G>A), located in coding exon 3 of the TRPV4 gene, results from a G to A substitution at nucleotide position 608. The serine at codon 203 is replaced by asparagine, an amino acid with highly similar properties. This amino acid position is conserved. In addition, this alteration is predicted to be tolerated by in silico analysis. Since supporting evidence is limited at this time, the clinical significance of this alteration remains unclear.

NM_021625.5(TRPV4):c.608G>A (p.Ser203Asn)

Gene: TRPV4 (transient receptor potential cation channel subfamily V member 4; minus strand). Cytogenetic location: 12q24.11.
Variant type: single nucleotide variant.
Coding change: c.608G>A on transcript NM_021625.5 (MANE Select); coding-DNA position 608, G replaced by A.
Protein change: p.Ser203Asn; replaces serine 203 with asparagine.
Molecular consequence: missense variant.
Genome position (GRCh38, 1-based): chr12:109,803,095, C>T on the plus strand (G>A on the coding strand, the complement: TRPV4 is on the minus strand). VCF-style: chr12-109803095-C-T. GRCh37 (hg19) VCF-style: chr12-110240900-C-T.
Other names: c.608G>A, p.Ser203Asn (NM_001177428.2, NM_001177433.2, NM_147204.3); c.506G>A, p.Ser169Asn (NM_001177431.2); short protein forms S169N, S203N.
Identifiers: ClinVar variation 1751499 (VCV001751499.2), dbSNP rs1890912712, ClinGen allele CA386656180.
Genomic context (GRCh38, chr12:109,803,095, plus strand): 5'-ATGTTGCCGGTGCGCTCCGCGATGTCCAGCAGCACAGGGATGGTGTCGTTGCGGCCATTG[C>T]TCAGGTTCAGCAAGGCCTTGGGCAGGCAGGTCTTCCCCGTAGATGGCTCTAGCAAGAGAG-3'
Protein context (NP_067638.3, residues 193-213): TCLPKALLNL[Ser203Asn]NGRNDTIPVL